The following is an entry in ClinVar:

NM_133497.4(KCNV2):c.439G>A (p.Asp147Asn)

Gene: KCNV2 (potassium voltage-gated channel modifier subfamily V member 2; plus strand). Cytogenetic location: 9p24.2.
Variant type: single nucleotide variant.
Coding change: c.439G>A on transcript NM_133497.4 (MANE Select); coding-DNA position 439, G replaced by A.
Protein change: p.Asp147Asn; replaces aspartic acid 147 with asparagine.
Molecular consequence: missense variant.
Genome position (GRCh38, 1-based): chr9:2,718,178, G>A. VCF-style: chr9-2718178-G-A. GRCh37 (hg19) VCF-style: chr9-2718178-G-A.
Other names: short protein forms D147N.
Identifiers: ClinVar variation 1970062 (VCV001970062.5), dbSNP rs751529297, ClinGen allele CA372797001.

ClinVar aggregate classification (germline): Uncertain significance (1 of 4 stars; one submission).

gnomAD v4.1: 3 of 1,613,328 alleles (0.00019%); highest among the groups gnomAD compares: South Asian, 0.0022%; no homozygotes.

Submission:

Labcorp Genetics (formerly Invitae), Labcorp
Classification: Uncertain significance. Last evaluated: 2022-08-16. Review status: criteria provided, single submitter. Criteria: Invitae Variant Classification Sherloc (09022015). Collection method: clinical testing. Allele origin: germline.
Comment: In summary, the available evidence is currently insufficient to determine the role of this variant in disease. Therefore, it has been classified as a Variant of Uncertain Significance. This sequence change replaces aspartic acid, which is acidic and polar, with asparagine, which is neutral and polar, at codon 147 of the KCNV2 protein (p.Asp147Asn). This variant is present in population databases (no rsID available, gnomAD 0.003%). This variant has not been reported in the literature in individuals affected with KCNV2-related conditions. Algorithms developed to predict the effect of missense changes on protein structure and function (SIFT, PolyPhen-2, Align-GVGD) all suggest that this variant is likely to be tolerated.